The following is an entry in ClinVar:

NM_000431.4(MVK):c.831C>T (p.Arg277=)

Gene: MVK (mevalonate kinase; plus strand). Cytogenetic location: 12q24.11.
Variant type: single nucleotide variant.
Coding change: c.831C>T on transcript NM_000431.4 (MANE Select); coding-DNA position 831, C replaced by T.
Protein change: p.Arg277=; no amino-acid change (arginine 277 retained).
Molecular consequence: synonymous variant.
Genome position (GRCh38, 1-based): chr12:109,591,303, C>T. VCF-style: chr12-109591303-C-T. GRCh37 (hg19) VCF-style: chr12-110029108-C-T.
Other names: p.Arg277=; c.831C>T (LRG_156t1); c.831C>T, p.Arg277= (NM_001114185.3); c.675C>T, p.Arg225= (NM_001301182.2).
Identifiers: ClinVar variation 97632 (VCV000097632.73), dbSNP rs104895353, ClinGen allele CA149915.

ClinVar aggregate classification (germline): Benign/Likely benign. Review status: criteria provided, multiple submitters, no conflicts (2 of 4 stars). 13 submissions from 12 submitters: Benign (11); Likely benign (1). 1 of the submissions does not count toward it. Last evaluated 2026-02-04.

Conditions:
Autoinflammatory syndrome. Identifiers: Orphanet 93665, MedGen C3890737, MONDO:0019751.
Retinal dystrophy. Also called: Inherited retinal dystrophy. Identifiers: Orphanet 71862, MedGen C0854723, MeSH D058499, MONDO:0019118, HP:0000556.
Hyperimmunoglobulin D with periodic fever (HIDS). Also called: HYPERIMMUNOGLOBULINEMIA D AND PERIODIC FEVER SYNDROME; Hyperimmunoglobulinemia D with periodic fever; Hyperimmunoglobulinemia D. Identifiers: Orphanet 343, MedGen C0398691, MONDO:0009849, OMIM 260920.
Mevalonic aciduria (MEVA). Identifiers: Orphanet 29, MedGen C1959626, MONDO:0012481, OMIM 610377.
Porokeratosis 3, disseminated superficial actinic type (POROK3). Also called: POROKERATOSIS, DISSEMINATED SUPERFICIAL ACTINIC, 1; POROKERATOSIS 3, MULTIPLE TYPES; POROKERATOSIS 3, MIBELLI TYPE. Identifiers: MedGen C1867981, MONDO:0008293, OMIM 175900.

Allele frequency attached by ClinVar (database versions not stated): gnomAD exomes 0.00207 and 0.00538; ExAC 0.00577; ESP Exome Variant Server 0.01015; gnomAD 0.01040 and 0.01061; TOPMed 0.01189; 1000 Genomes Project 30x 0.01655; 1000 Genomes Project 0.01697.
gnomAD v4.1: 4,811 of 1,614,206 alleles (0.3%); highest among the groups gnomAD compares: African/African-American, 3.1%; 63 homozygotes.

Submissions (13):

Labcorp Genetics (formerly Invitae), Labcorp
Classification: Benign for Mevalonic aciduria; Hyperimmunoglobulin D with periodic fever; Porokeratosis 3, disseminated superficial actinic type. Last evaluated: 2026-02-04. Review status: criteria provided, single submitter. Criteria: Invitae Variant Classification Sherloc (09022015). Collection method: clinical testing. Allele origin: germline.

Women's Health and Genetics/Laboratory Corporation of America, LabCorp
Classification: Benign. Last evaluated: 2026-01-22. Review status: criteria provided, single submitter. Criteria: LabCorp Variant Classification Summary - May 2015. Collection method: clinical testing. Allele origin: germline.

Blueprint Genetics
Classification: Likely benign. Last evaluated: 2024-11-27. Review status: criteria provided, single submitter. Criteria: ACMG Guidelines, 2015. Collection method: clinical testing. Allele origin: germline.

ARUP Laboratories, Molecular Genetics and Genomics, ARUP Laboratories
Classification: Benign. Last evaluated: 2024-08-08. Review status: criteria provided, single submitter. Criteria: ARUP Molecular Germline Variant Investigation Process 2024. Collection method: clinical testing. Allele origin: germline.

Dept Of Ophthalmology, Nagoya University
Classification: Benign for Retinal dystrophy. Last evaluated: 2023-10-01. Review status: criteria provided, single submitter. Criteria: Submitter's publication. Collection method: research. Allele origin: germline. Affected: yes.

Genome Diagnostics Laboratory, The Hospital for Sick Children
Classification: Benign for Autoinflammatory syndrome. Last evaluated: 2022-02-22. Review status: criteria provided, single submitter. Criteria: ACMG Guidelines, 2015. Collection method: clinical testing. Allele origin: germline. Affected: yes.

Mayo Clinic Laboratories, Mayo Clinic
Classification: Benign. Last evaluated: 2021-05-19. Review status: criteria provided, single submitter. Criteria: ACMG Guidelines, 2015. Collection method: clinical testing. Allele origin: germline. Observed: 29 variant alleles.

Illumina Laboratory Services, Illumina
Classification: Benign for Mevalonic aciduria. Last evaluated: 2018-01-13. Review status: criteria provided, single submitter. Criteria: ICSL Variant Classification Criteria 13 December 2019. Collection method: clinical testing. Allele origin: germline.
Comment: This variant was observed in the ICSL laboratory as part of a predisposition screen in an ostensibly healthy population. It had not been previously curated by ICSL or reported in the Human Gene Mutation Database (HGMD: prior to June 1st, 2018), and was therefore a candidate for classification through an automated scoring system. Utilizing variant allele frequency, disease prevalence and penetrance estimates, and inheritance mode, an automated score was calculated to assess if this variant is too frequent to cause the disease. Based on the score and internal cut-off values, a variant classified as benign is not then subjected to further curation. The score for this variant resulted in a classification of benign for this disease.

Illumina Laboratory Services, Illumina
Classification: Benign for Hyperimmunoglobulin D with periodic fever. Last evaluated: 2018-01-13. Review status: criteria provided, single submitter. Criteria: ICSL Variant Classification Criteria 13 December 2019. Collection method: clinical testing. Allele origin: germline.
Comment: the same text as in the submission from Illumina Laboratory Services, Illumina above.

GeneDx
Classification: Benign. Last evaluated: 2015-03-03. Review status: criteria provided, single submitter. Criteria: GeneDx Variant Classification Process June 2021. Collection method: clinical testing. Allele origin: germline. Affected: yes.

Breakthrough Genomics
Classification: Benign. Review status: criteria provided, single submitter. Criteria: ACMG Guidelines, 2015. Collection method: not provided. Allele origin: germline. Inheritance: Autosomal recessive inheritance. Affected: yes.

PreventionGenetics, part of Exact Sciences
Classification: Benign. Review status: criteria provided, single submitter. Criteria: ACMG Guidelines, 2015. Collection method: clinical testing. Allele origin: germline.

Unité médicale des maladies autoinflammatoires, CHRU Montpellier
No classification provided. Condition: Hyperimmunoglobulin D with periodic fever. Review status: no classification provided. Collection method: not provided. Allele origin: unknown. Not counted in ClinVar's aggregate classification.
Comment: also involved in OMIM 25117